The following is an entry in ClinVar:

ClinVar aggregate classification (germline): Uncertain significance (1 of 4 stars; one submission).

Submission:

Labcorp Genetics (formerly Invitae), Labcorp
Classification: Uncertain significance. Last evaluated: 2025-10-20. Review status: criteria provided, single submitter. Criteria: Invitae Variant Classification Sherloc (09022015). Collection method: clinical testing. Allele origin: germline.
Comment: This sequence change replaces glutamic acid, which is acidic and polar, with glutamine, which is neutral and polar, at codon 278 of the NEDD4L protein (p.Glu278Gln). This variant is not present in population databases (gnomAD no frequency). This variant has not been reported in the literature in individuals affected with NEDD4L-related conditions. Invitae Evidence Modeling of protein sequence and biophysical properties (such as structural, functional, and spatial information, amino acid conservation, physicochemical variation, residue mobility, and thermodynamic stability) indicates that this missense variant is not expected to disrupt NEDD4L protein function with a negative predictive value of 80%. In summary, the available evidence is currently insufficient to determine the role of this variant in disease. Therefore, it has been classified as a Variant of Uncertain Significance.

NM_001144967.3(NEDD4L):c.832G>C (p.Glu278Gln)

Gene: NEDD4L (NEDD4 like E3 ubiquitin protein ligase; plus strand). Cytogenetic location: 18q21.31.
Variant type: single nucleotide variant.
Coding change: c.832G>C on transcript NM_001144967.3 (MANE Select); coding-DNA position 832, G replaced by C.
Protein change: p.Glu278Gln; replaces glutamic acid 278 with glutamine.
Molecular consequence: missense variant.
Genome position (GRCh38, 1-based): chr18:58,330,756, G>C. VCF-style: chr18-58330756-G-C. GRCh37 (hg19) VCF-style: chr18-55997988-G-C.
Other names: c.469G>C, p.Glu157Gln (NM_001144964.1, NM_001144965.2, NM_001144966.3 and 2 more transcripts); c.808G>C, p.Glu270Gln (NM_001144968.2, NM_001144969.2); c.832G>C, p.Glu278Gln (NM_001243960.2, NM_015277.6); c.1669G>C, p.Glu557Gln (NM_001437337.1); short protein forms E270Q, E278Q, E157Q, E557Q.
Identifiers: ClinVar variation 4740889 (VCV004740889.1).